The following is an entry in ClinVar:

NM_000138.5(FBN1):c.4748-3T>C

Gene: FBN1 (fibrillin 1; minus strand). Cytogenetic location: 15q21.1.
Variant type: single nucleotide variant.
Coding change: c.4748-3T>C on transcript NM_000138.5 (MANE Select); 3 bases into the intron before coding-DNA position 4748, T replaced by C.
Molecular consequence: intron variant.
Genome position (GRCh38, 1-based): chr15:48,465,861, A>G on the plus strand (T>C on the coding strand, the complement: FBN1 is on the minus strand). VCF-style: chr15-48465861-A-G. GRCh37 (hg19) VCF-style: chr15-48758058-A-G.
Identifiers: ClinVar variation 926039 (VCV000926039.6), dbSNP rs770762644, ClinGen allele CA053649.

ClinVar aggregate classification (germline): Likely benign. Review status: criteria provided, multiple submitters, no conflicts (2 of 4 stars). 3 submissions from 3 submitters: Likely benign (3). Last evaluated 2024-03-06.

Conditions:
Familial thoracic aortic aneurysm and aortic dissection (TAAD). Also called: Thoracic aortic aneurysms and dissections. Identifiers: Orphanet 91387, MedGen C4707243, MONDO:0019625.
Marfan syndrome (MFS). Also called: Marfan syndrome, classic; Marfan syndrome type 1; Marfan's syndrome; FBN1-Related Marfan Syndrome; MARFAN SYNDROME, TYPE I. Identifiers: Orphanet 284963, Orphanet 558, MedGen C0024796, MONDO:0007947, OMIM 154700.

Allele frequency attached by ClinVar (database versions not stated): gnomAD 0.00001 and below 0.00001; gnomAD exomes 0.00002 and 0.00004; ExAC 0.00005.
gnomAD v4.1: 37 of 1,608,600 alleles (0.0023%); highest among the groups gnomAD compares: South Asian, 0.032%; 1 homozygote.

Submissions (3):

Labcorp Genetics (formerly Invitae), Labcorp
Classification: Likely benign for Marfan syndrome; Familial thoracic aortic aneurysm and aortic dissection. Last evaluated: 2024-03-06. Review status: criteria provided, single submitter. Criteria: Invitae Variant Classification Sherloc (09022015). Collection method: clinical testing. Allele origin: germline.

All of Us Research Program, National Institutes of Health
Classification: Likely benign for Marfan syndrome. Last evaluated: 2024-02-05. Review status: criteria provided, single submitter. Criteria: ACMG Guidelines, 2015. Collection method: clinical testing. Allele origin: germline. Inheritance: Autosomal dominant inheritance. Observed: 1 variant allele, 1 heterozygote.
Comment: This study involves interpretation of variants in research participants for the purpose of population health screening. Participant phenotype was not available at the time of variant classification. Additional details can be found in publication PMID: 35346344, PMCID: PMC8962531

Color Diagnostics, LLC DBA Color Health
Classification: Likely benign for Familial thoracic aortic aneurysm and aortic dissection. Last evaluated: 2019-04-16. Review status: criteria provided, single submitter. Criteria: ACMG Guidelines, 2015. Collection method: clinical testing. Allele origin: germline.